The following is an entry in ClinVar:

ClinVar aggregate classification (germline): Uncertain significance (1 of 4 stars; one submission).

gnomAD v4.1: 7 of 1,603,650 alleles (0.00044%); highest among the groups gnomAD compares: African/African-American, 0.008%; no homozygotes.

Submission:

Labcorp Genetics (formerly Invitae), Labcorp
Classification: Uncertain significance. Last evaluated: 2025-11-11. Review status: criteria provided, single submitter. Criteria: Invitae Variant Classification Sherloc (09022015). Collection method: clinical testing. Allele origin: germline.
Comment: This sequence change creates a premature translational stop signal (p.Trp41*) in the CLUAP1 gene. It is expected to result in an absent or disrupted protein product. However, the current clinical and genetic evidence is not sufficient to establish whether loss-of-function variants in CLUAP1 cause disease. This variant is not present in population databases (gnomAD no frequency). This variant has not been reported in the literature in individuals affected with CLUAP1-related conditions. Algorithms developed to predict the effect of sequence changes on RNA splicing suggest that this variant may disrupt the consensus splice site. In summary, the available evidence is currently insufficient to determine the role of this variant in disease. Therefore, it has been classified as a Variant of Uncertain Significance.

NM_015041.3(CLUAP1):c.122G>A (p.Trp41Ter)

Gene: CLUAP1 (clusterin associated protein 1; plus strand). Cytogenetic location: 16p13.3.
Variant type: single nucleotide variant.
Coding change: c.122G>A on transcript NM_015041.3 (MANE Select); coding-DNA position 122, G replaced by A.
Protein change: p.Trp41Ter; replaces tryptophan 41 with a stop codon.
Molecular consequence: nonsense.
Genome position (GRCh38, 1-based): chr16:3,504,819, G>A. VCF-style: chr16-3504819-G-A. GRCh37 (hg19) VCF-style: chr16-3554819-G-A.
Other names: c.122G>A, p.Trp41Ter (NM_001330454.2); short protein forms W41*.
Identifiers: ClinVar variation 4696561 (VCV004696561.1).